The following is an entry in ClinVar:

NM_003000.3(SDHB):c.541-10C>T

Gene: SDHB (succinate dehydrogenase complex iron sulfur subunit B; minus strand). Cytogenetic location: 1p36.13.
Variant type: single nucleotide variant.
Coding change: c.541-10C>T on transcript NM_003000.3 (MANE Select); 10 bases into the intron before coding-DNA position 541, C replaced by T.
Molecular consequence: intron variant.
Genome position (GRCh38, 1-based): chr1:17,024,084, G>A on the plus strand (C>T on the coding strand, the complement: SDHB is on the minus strand). VCF-style: chr1-17024084-G-A. GRCh37 (hg19) VCF-style: chr1-17350579-G-A.
Other names: p.?.
Identifiers: ClinVar variation 668389 (VCV000668389.17), dbSNP rs200004039, ClinGen allele CA18663280.

ClinVar aggregate classification (germline): Conflicting classifications of pathogenicity. Review status: criteria provided, conflicting classifications (1 of 4 stars). 8 submissions from 8 submitters: Uncertain significance (1); Likely benign (7). Last evaluated 2026-01-18.

Conditions:
Gastrointestinal stromal tumor. Also called: Gastrointestinal stroma tumor; Gastrointestinal stromal tumor, somatic. Identifiers: Orphanet 44890, MedGen C0238198, MeSH D046152, MONDO:0011719, OMIM 606764, HP:0100723.
Pheochromocytoma/paraganglioma syndrome 4. Also called: SDHB-Related Hereditary Paraganglioma-Pheochromocytoma Syndrome; CAROTID BODY TUMORS AND MULTIPLE EXTRAADRENAL PHEOCHROMOCYTOMAS; Paragangliomas 4; SDHB-Related Hereditary Paraganglioma-Pheochromocytoma Syndrome (Paragangliomas 4); PARAGANGLIOMA, FAMILIAL MALIGNANT; PARAGANGLIOMAS, HEREDITARY EXTRAADRENAL. Identifiers: Orphanet 29072, MedGen C1861848, MONDO:0007273, OMIM 115310.
Pheochromocytoma. Also called: MAX-Related Hereditary Paraganglioma-Pheochromocytoma Syndrome. Identifiers: Orphanet 29072, MedGen C0031511, MONDO:0008233, OMIM 171300, HP:0002666.
Hereditary pheochromocytoma and paraganglioma. Also called: Hereditary paragangliomas and pheochromocytomas; Hereditary Paraganglioma-Pheochromocytoma Syndromes; Hereditary pheochromocytoma-paraganglioma. Identifiers: Orphanet 29072, MedGen C4274332, MONDO:0017366.
SDHB-related disorder. Also called: SDHB-related condition; SDHB-related disorders. Identifiers: MedGen CN239418.

Allele frequency attached by ClinVar (database versions not stated): gnomAD exomes below 0.00001; TOPMed below 0.00001.
gnomAD v4.1: 5 of 1,590,570 alleles (0.00031%); highest among the groups gnomAD compares: Non-Finnish European, 0.00043%; no homozygotes.

Submissions (8):

Labcorp Genetics (formerly Invitae), Labcorp
Classification: Likely benign for Gastrointestinal stromal tumor; Pheochromocytoma/paraganglioma syndrome 4; Pheochromocytoma. Last evaluated: 2026-01-18. Review status: criteria provided, single submitter. Criteria: Invitae Variant Classification Sherloc (09022015). Collection method: clinical testing. Allele origin: germline.

Mayo Clinic Laboratories, Mayo Clinic
Classification: Likely benign. Last evaluated: 2025-10-23. Review status: criteria provided, single submitter. Criteria: ACMG Guidelines, 2015. Collection method: clinical testing. Allele origin: germline. Observed: 1 variant allele.
Comment: BP4, BP7, PM2_supporting

Quest Diagnostics Nichols Institute San Juan Capistrano
Classification: Uncertain significance. Last evaluated: 2025-07-15. Review status: criteria provided, single submitter. Criteria: Quest Diagnostics criteria. Collection method: clinical testing. Allele origin: unknown.

PreventionGenetics, part of Exact Sciences
Classification: Likely benign for SDHB-related condition. Last evaluated: 2025-05-03. Review status: criteria provided, single submitter. Criteria: ACMG Guidelines, 2015. Collection method: clinical testing. Allele origin: germline.
Comment: This variant is classified as likely benign based on ACMG/AMP sequence variant interpretation guidelines (Richards et al. 2015 PMID: 25741868, with internal and published modifications).

Myriad Genetics, Inc.
Classification: Likely benign for Pheochromocytoma/paraganglioma syndrome 4. Last evaluated: 2025-03-13. Review status: criteria provided, single submitter. Criteria: Myriad Autosomal Dominant, Autosomal Recessive and X-Linked Classification Criteria (2023). Collection method: clinical testing. Allele origin: unknown.
Comment: This variant is considered likely benign. This variant is intronic and is not expected to impact mRNA splicing.

All of Us Research Program, National Institutes of Health
Classification: Likely benign for Hereditary pheochromocytoma and paraganglioma. Last evaluated: 2023-07-10. Review status: criteria provided, single submitter. Criteria: ACMG Guidelines, 2015. Collection method: clinical testing. Allele origin: germline. Inheritance: Autosomal dominant inheritance. Observed: 1 variant allele, 1 heterozygote.
Comment: This study involves interpretation of variants in research participants for the purpose of population health screening. Participant phenotype was not available at the time of variant classification. Additional details can be found in publication PMID: 35346344, PMCID: PMC8962531

Color Diagnostics, LLC DBA Color Health
Classification: Likely benign for Hereditary pheochromocytoma and paraganglioma. Last evaluated: 2023-06-28. Review status: criteria provided, single submitter. Criteria: ACMG Guidelines, 2015. Collection method: clinical testing. Allele origin: germline.

GeneDx
Classification: Likely benign. Last evaluated: 2018-05-11. Review status: criteria provided, single submitter. Criteria: GeneDx Variant Classification (06012015). Collection method: clinical testing. Allele origin: germline. Affected: yes.
Comment: This variant is considered likely benign or benign based on one or more of the following criteria: it is a conservative change, it occurs at a poorly conserved position in the protein, it is predicted to be benign by multiple in silico algorithms, and/or has population frequency not consistent with disease.